The following is an entry in ClinVar:

ClinVar aggregate classification (germline): Uncertain significance. Review status: criteria provided, multiple submitters, no conflicts (2 of 4 stars). 2 submissions from 2 submitters: Uncertain significance (2). Last evaluated 2023-04-20.

Conditions:
Inborn genetic diseases. Identifiers: MedGen C0950123, MeSH D030342.

Allele frequency attached by ClinVar (database versions not stated): gnomAD 0.00005 and 0.00006; TOPMed 0.00005; gnomAD exomes 0.00012; ExAC 0.00015; ESP Exome Variant Server 0.00015.
gnomAD v4.1: 100 of 1,614,002 alleles (0.0062%); highest among the groups gnomAD compares: Non-Finnish European, 0.0041%; no homozygotes.

Submissions (2):

Ambry Genetics
Classification: Uncertain significance for Inborn genetic diseases. Last evaluated: 2023-04-20. Review status: criteria provided, single submitter. Criteria: Ambry Variant Classification Scheme 2023. Collection method: clinical testing. Allele origin: germline.

Labcorp Genetics (formerly Invitae), Labcorp
Classification: Uncertain significance. Last evaluated: 2022-03-29. Review status: criteria provided, single submitter. Criteria: Invitae Variant Classification Sherloc (09022015). Collection method: clinical testing. Allele origin: germline.
Comment: This sequence change replaces alanine, which is neutral and non-polar, with valine, which is neutral and non-polar, at codon 1767 of the LTBP2 protein (p.Ala1767Val). This variant is present in population databases (rs138556118, gnomAD 0.2%). This variant has not been reported in the literature in individuals affected with LTBP2-related conditions. Algorithms developed to predict the effect of missense changes on protein structure and function (SIFT, PolyPhen-2, Align-GVGD) all suggest that this variant is likely to be tolerated. In summary, the available evidence is currently insufficient to determine the role of this variant in disease. Therefore, it has been classified as a Variant of Uncertain Significance.

NM_000428.3(LTBP2):c.5300C>T (p.Ala1767Val)

Gene: LTBP2 (latent transforming growth factor beta binding protein 2; minus strand). Cytogenetic location: 14q24.3.
Variant type: single nucleotide variant.
Coding change: c.5300C>T on transcript NM_000428.3 (MANE Select); coding-DNA position 5300, C replaced by T.
Protein change: p.Ala1767Val; replaces alanine 1767 with valine.
Molecular consequence: missense variant.
Genome position (GRCh38, 1-based): chr14:74,501,461, G>A on the plus strand (C>T on the coding strand, the complement: LTBP2 is on the minus strand). VCF-style: chr14-74501461-G-A. GRCh37 (hg19) VCF-style: chr14-74968164-G-A.
Other names: c.5300C>T (NM_000428.2); short protein forms A1767V.
Identifiers: ClinVar variation 1399734 (VCV001399734.4), dbSNP rs138556118, ClinGen allele CA7268453.